The following is an entry in ClinVar:

NM_153704.6(TMEM67):c.2858C>G (p.Ala953Gly)

Gene: TMEM67 (transmembrane protein 67; plus strand). Cytogenetic location: 8q22.1.
Variant type: single nucleotide variant.
Coding change: c.2858C>G on transcript NM_153704.6 (MANE Select); coding-DNA position 2858, C replaced by G.
Protein change: p.Ala953Gly; replaces alanine 953 with glycine.
Molecular consequence: missense variant. On other transcripts: non-coding transcript variant (1).
Genome position (GRCh38, 1-based): chr8:93,815,398, C>G. VCF-style: chr8-93815398-C-G. GRCh37 (hg19) VCF-style: chr8-94827626-C-G.
Other names: c.2615C>G, p.Ala872Gly (NM_001142301.1); short protein forms A953G, A872G.
Identifiers: ClinVar variation 4987430 (VCV004987430.1).
Genomic context (GRCh38, chr8:93,815,398, plus strand): 5'-ATGGAAATGAAGCTACTCTTCTTATTTTTGATCTGCTGTTCTTCTGTGTTGTGGATTTGG[C>G]TTGCCAAAATTTTATTTTAGCATCCTTCCTTACATATCTACAACAAGAGGTAAACTTTTA-3'
Protein context (NP_714915.3, residues 943-963): DLLFFCVVDL[Ala953Gly]CQNFILASFL

ClinVar aggregate classification (germline): Uncertain significance (1 of 4 stars; one submission).

Conditions:
TMEM67-related disorder. Also called: TMEM67-related condition; TMEM67-related disorders. Identifiers: MedGen CN239423.

Submission:

PreventionGenetics, part of Exact Sciences
Classification: Uncertain significance for TMEM67-related condition. Last evaluated: 2026-08-04. Review status: criteria provided, single submitter. Criteria: ACMG Guidelines, 2015. Collection method: clinical testing. Allele origin: germline.
Comment: The TMEM67 c.2858C>G variant is predicted to result in the amino acid substitution p.Ala953Gly. To our knowledge, this variant has not been reported in the literature or in a large population database (gnomAD), indicating this variant is rare. At this time, the clinical significance of this variant is uncertain due to the absence of conclusive functional and genetic evidence.